The following is an entry in ClinVar:

NM_005751.5(AKAP9):c.10636G>C (p.Asp3546His)

Gene: AKAP9 (A-kinase anchoring protein 9; plus strand). Cytogenetic location: 7q21.2.
Variant type: single nucleotide variant.
Coding change: c.10636G>C on transcript NM_005751.5 (MANE Select); coding-DNA position 10636, G replaced by C.
Protein change: p.Asp3546His; replaces aspartic acid 3546 with histidine.
Molecular consequence: missense variant.
Genome position (GRCh38, 1-based): chr7:92,098,137, G>C. VCF-style: chr7-92098137-G-C. GRCh37 (hg19) VCF-style: chr7-91727451-G-C.
Other names: c.5281G>C, p.Asp1761His (NM_001379277.1); c.10612G>C, p.Asp3538His (NM_147185.3); short protein forms D1761H, D3538H, D3546H.
Identifiers: ClinVar variation 4869076 (VCV004869076.1).

ClinVar aggregate classification (germline): Uncertain significance (1 of 4 stars; one submission).

Conditions:
Cardiovascular phenotype. Identifiers: MedGen CN230736.

Submission:

Ambry Genetics
Classification: Uncertain significance for Cardiovascular phenotype. Last evaluated: 2026-05-17. Review status: criteria provided, single submitter. Criteria: Ambry Variant Classification Scheme 2023. Collection method: clinical testing. Allele origin: germline.
Comment: The p.D3546H variant (also known as c.10636G>C), located in coding exon 43 of the AKAP9 gene, results from a G to C substitution at nucleotide position 10636. The aspartic acid at codon 3546 is replaced by histidine, an amino acid with similar properties. This amino acid position is conserved. In addition, this alteration is predicted to be tolerated by in silico analysis. Based on the available evidence, the clinical significance of this variant remains unclear.